The following is an entry in ClinVar:

NM_012470.4(TNPO3):c.889C>T (p.Arg297Cys)

Gene: TNPO3 (transportin 3; minus strand). Cytogenetic location: 7q32.1.
Variant type: single nucleotide variant.
Coding change: c.889C>T on transcript NM_012470.4 (MANE Select); coding-DNA position 889, C replaced by T.
Protein change: p.Arg297Cys; replaces arginine 297 with cysteine.
Molecular consequence: missense variant. On other transcripts: non-coding transcript variant (18).
Genome position (GRCh38, 1-based): chr7:129,000,551, G>A on the plus strand (C>T on the coding strand, the complement: TNPO3 is on the minus strand). VCF-style: chr7-129000551-G-A. GRCh37 (hg19) VCF-style: chr7-128640605-G-A.
Other names: c.889C>T, p.Arg297Cys (NM_001191028.3, NM_001382216.1, NM_001382218.1 and 4 more transcripts); c.970C>T, p.Arg324Cys (NM_001382217.1); c.745C>T, p.Arg249Cys (NM_001382221.1); short protein forms R324C, R297C, R249C.
Identifiers: ClinVar variation 3180554 (VCV003180554.3), dbSNP rs748488079, ClinGen allele CA4478293.

ClinVar aggregate classification (germline): Uncertain significance. Review status: criteria provided, multiple submitters, no conflicts (2 of 4 stars). 2 submissions from 2 submitters: Uncertain significance (2). Last evaluated 2024-04-27.

Conditions:
Inborn genetic diseases. Identifiers: MedGen C0950123, MeSH D030342.
Autosomal dominant limb-girdle muscular dystrophy type 1F (LGMDD2). Also called: Limb-girdle muscular dystrophy, type 1F; MUSCULAR DYSTROPHY, LIMB-GIRDLE, AUTOSOMAL DOMINANT 2. Identifiers: Orphanet 55595, MedGen C1842062, MONDO:0012034, OMIM 608423.

Allele frequency attached by ClinVar (database versions not stated): TOPMed below 0.00001; gnomAD 0.00001; ExAC 0.00002.
gnomAD v4.1: 21 of 1,613,480 alleles (0.0013%); highest among the groups gnomAD compares: Admixed American, 0.0067%; no homozygotes.

Submissions (2):

Labcorp Genetics (formerly Invitae), Labcorp
Classification: Uncertain significance for Autosomal dominant limb-girdle muscular dystrophy type 1F. Last evaluated: 2024-04-27. Review status: criteria provided, single submitter. Criteria: Invitae Variant Classification Sherloc (09022015). Collection method: clinical testing. Allele origin: germline.
Comment: This sequence change replaces arginine, which is basic and polar, with cysteine, which is neutral and slightly polar, at codon 297 of the TNPO3 protein (p.Arg297Cys). This variant is present in population databases (rs748488079, gnomAD 0.005%). This variant has not been reported in the literature in individuals affected with TNPO3-related conditions. Advanced modeling of protein sequence and biophysical properties (such as structural, functional, and spatial information, amino acid conservation, physicochemical variation, residue mobility, and thermodynamic stability) performed at Invitae indicates that this missense variant is expected to disrupt TNPO3 protein function with a positive predictive value of 80%. In summary, the available evidence is currently insufficient to determine the role of this variant in disease. Therefore, it has been classified as a Variant of Uncertain Significance.

Ambry Genetics
Classification: Uncertain significance for Inborn genetic diseases. Last evaluated: 2024-02-06. Review status: criteria provided, single submitter. Criteria: Ambry Variant Classification Scheme 2023. Collection method: clinical testing. Allele origin: germline.